The following is an entry in ClinVar:

NM_172250.3(MMAA):c.820-1G>C

Gene: MMAA (metabolism of cobalamin associated A; plus strand). Cytogenetic location: 4q31.21.
Variant type: single nucleotide variant.
Coding change: c.820-1G>C on transcript NM_172250.3 (MANE Select); the canonical splice acceptor site of the intron before coding-DNA position 820, G replaced by C.
Molecular consequence: splice acceptor variant.
Genome position (GRCh38, 1-based): chr4:145,653,993, G>C. VCF-style: chr4-145653993-G-C. GRCh37 (hg19) VCF-style: chr4-146575145-G-C.
Other names: c.820-1G>C (NM_001375644.1).
Identifiers: ClinVar variation 848322 (VCV000848322.10), dbSNP rs1553959017, ClinGen allele CA358342243.

ClinVar aggregate classification (germline): Pathogenic/Likely pathogenic. Review status: criteria provided, multiple submitters, no conflicts (2 of 4 stars). 3 submissions from 3 submitters: Pathogenic (1); Likely pathogenic (2). Last evaluated 2025-08-07.

Conditions:
Methylmalonic aciduria, cblA type (MACA). Also called: Methylmalonic aciduria, vitamin b12-responsive, due to defect in synthesis of adenosylcobalamin, cbla complementation type; MMA cbl A type; Methylmalonic acidemia cblA type; Methylmalonic aciduria, vitamin B12-responsive; Vitamin B12-responsive methylmalonic acidemia type cblA. Identifiers: Orphanet 28, Orphanet 79310, MedGen C1855109, MONDO:0009613, OMIM 251100.

Allele frequency attached by ClinVar (database versions not stated): gnomAD exomes below 0.00001.
gnomAD v4.1: 1 of 1,614,018 alleles (0.000062%); highest among the groups gnomAD compares: Admixed American, 0.0017%; no homozygotes.

Submissions (3):

Labcorp Genetics (formerly Invitae), Labcorp
Classification: Pathogenic for Methylmalonic aciduria, cblA type. Last evaluated: 2025-08-07. Review status: criteria provided, single submitter. Criteria: Invitae Variant Classification Sherloc (09022015). Collection method: clinical testing. Allele origin: germline.
Comment: This sequence change affects an acceptor splice site in intron 5 of the MMAA gene. It is expected to disrupt RNA splicing. Variants that disrupt the donor or acceptor splice site typically lead to a loss of protein function (PMID: 16199547), and loss-of-function variants in MMAA are known to be pathogenic (PMID: 15523652, 15781192). This variant is not present in population databases (gnomAD no frequency). Disruption of this splice site has been observed in individuals with clinical features of cobalamin A type methylmalonic aciduria (PMID: 28497574; internal data). ClinVar contains an entry for this variant (Variation ID: 848322). Algorithms developed to predict the effect of sequence changes on RNA splicing suggest that this variant may disrupt the consensus splice site. For these reasons, this variant has been classified as Pathogenic.

Natera, Inc.
Classification: Likely pathogenic for Methylmalonic aciduria cblA type. Last evaluated: 2025-06-13. Review status: criteria provided, single submitter. Criteria: Natera Variant Classification Schema (03/2026). Collection method: clinical testing. Allele origin: germline.
Comment: The c.820-1G>C variant in MMAA is a canonical splice acceptor site variant predicted to affect pre-mRNA splicing, which may result in an abnormal transcript and altered protein product. This variant is expected to result in nonsense mediated decay, truncation, or a dysfunctional protein product. This variant is rare in the general population with a frequency below the threshold expected for the associated phenotype(s). Given the available evidence, this variant is classified as Likely Pathogenic.

Baylor Genetics
Classification: Likely pathogenic for Methylmalonic aciduria, cblA type. Last evaluated: 2023-10-17. Review status: criteria provided, single submitter. Criteria: ACMG Guidelines, 2015. Collection method: clinical testing. Allele origin: unknown.

Literature cited by the submitters: PubMed 16199547 (cited by Labcorp Genetics (formerly Invitae), Labcorp); PubMed 15523652 (cited by Labcorp Genetics (formerly Invitae), Labcorp); PubMed 15781192 (cited by Labcorp Genetics (formerly Invitae), Labcorp); PubMed 28497574 (cited by Labcorp Genetics (formerly Invitae), Labcorp).